The following is an entry in ClinVar:

NM_020738.4(KIDINS220):c.3242C>T (p.Pro1081Leu)

Gene: KIDINS220 (kinase D interacting substrate 220; minus strand). Cytogenetic location: 2p25.1.
Variant type: single nucleotide variant.
Coding change: c.3242C>T on transcript NM_020738.4 (MANE Select); coding-DNA position 3242, C replaced by T.
Protein change: p.Pro1081Leu; replaces proline 1081 with leucine.
Molecular consequence: missense variant. On other transcripts: non-coding transcript variant (2).
Genome position (GRCh38, 1-based): chr2:8,750,284, G>A on the plus strand (C>T on the coding strand, the complement: KIDINS220 is on the minus strand). VCF-style: chr2-8750284-G-A. GRCh37 (hg19) VCF-style: chr2-8890414-G-A.
Other names: c.3245C>T, p.Pro1082Leu (NM_001348729.2, NM_001348731.2, NM_001348734.2 and 2 more transcripts); c.3242C>T, p.Pro1081Leu (NM_001348732.2, NM_001348735.2, NM_001348738.2 and 3 more transcripts); c.3116C>T, p.Pro1039Leu (NM_001348736.2); short protein forms P1039L, P1081L, P1082L.
Identifiers: ClinVar variation 1309263 (VCV001309263.13), dbSNP rs373415558, ClinGen allele CA1519722.
Genomic context (GRCh38, chr2:8,750,284, plus strand): 5'-ACGGATGGGGGCTGGCTGTACCCTGATGGCGCCCTAGGAGGACCCTCATGTAGAGGGAGC[G>A]GGGGGTACGCCAGTCCTCCAATACTGATCTGCTCTCTGGCAGCACGAACATCTGAAAGAT-3'
Protein context (NP_065789.1, residues 1071-1091): QISIGGLAYP[Pro1081Leu]LPLHEGPPRA

ClinVar aggregate classification (germline): Uncertain significance. Review status: criteria provided, multiple submitters, no conflicts (2 of 4 stars). 4 submissions from 4 submitters: Uncertain significance (3). 1 of the submissions does not count toward it. Last evaluated 2024-08-20.

Conditions:
KIDINS220-related disorder. Also called: KIDINS220-related condition.

Allele frequency attached by ClinVar (database versions not stated): gnomAD 0.00001 and 0.00003; 1000 Genomes Project 30x 0.00016; 1000 Genomes Project 0.00020.
gnomAD v4.1: 76 of 1,612,618 alleles (0.0047%); highest among the groups gnomAD compares: South Asian, 0.051%; no homozygotes.

Submissions (4):

Labcorp Genetics (formerly Invitae), Labcorp
Classification: Uncertain significance. Last evaluated: 2024-08-20. Review status: criteria provided, single submitter. Criteria: Invitae Variant Classification Sherloc (09022015). Collection method: clinical testing. Allele origin: germline.
Comment: This sequence change replaces proline, which is neutral and non-polar, with leucine, which is neutral and non-polar, at codon 1081 of the KIDINS220 protein (p.Pro1081Leu). This variant is present in population databases (rs373415558, gnomAD 0.06%). This variant has not been reported in the literature in individuals affected with KIDINS220-related conditions. ClinVar contains an entry for this variant (Variation ID: 1309263). An algorithm developed to predict the effect of missense changes on protein structure and function (PolyPhen-2) suggests that this variant is likely to be tolerated. In summary, the available evidence is currently insufficient to determine the role of this variant in disease. Therefore, it has been classified as a Variant of Uncertain Significance.

Revvity Omics, Revvity
Classification: Uncertain significance. Last evaluated: 2023-07-03. Review status: criteria provided, single submitter. Criteria: ACMG Guidelines, 2015. Collection method: clinical testing. Allele origin: germline.

GeneDx
Classification: Uncertain significance. Last evaluated: 2019-10-22. Review status: criteria provided, single submitter. Criteria: GeneDx Variant Classification Process June 2021. Collection method: clinical testing. Allele origin: germline. Affected: yes.
Comment: In silico analysis, which includes protein predictors and evolutionary conservation, supports that this variant does not alter protein structure/function; Has not been previously published as pathogenic or benign to our knowledge

PreventionGenetics, part of Exact Sciences
Classification: Uncertain significance for KIDINS220-related condition. Last evaluated: 2024-02-14. Review status: no assertion criteria provided. Collection method: clinical testing. Allele origin: germline. Not counted in ClinVar's aggregate classification.
Comment: The KIDINS220 c.3242C>T variant is predicted to result in the amino acid substitution p.Pro1081Leu. To our knowledge, this variant has not been reported in the literature. This variant is reported in 0.059% of alleles in individuals of South Asian descent in gnomAD. Although we suspect that this variant may be benign, at this time, the clinical significance of this variant is uncertain due to the absence of conclusive functional and genetic evidence.